The following is an entry in ClinVar:

ClinVar aggregate classification (germline): Uncertain significance (1 of 4 stars; one submission).

Submission:

Labcorp Genetics (formerly Invitae), Labcorp
Classification: Uncertain significance. Last evaluated: 2022-04-02. Review status: criteria provided, single submitter. Criteria: Invitae Variant Classification Sherloc (09022015). Collection method: clinical testing. Allele origin: germline.
Comment: This variant has not been reported in the literature in individuals affected with FAT4-related conditions. In summary, the available evidence is currently insufficient to determine the role of this variant in disease. Therefore, it has been classified as a Variant of Uncertain Significance. Advanced modeling of protein sequence and biophysical properties (such as structural, functional, and spatial information, amino acid conservation, physicochemical variation, residue mobility, and thermodynamic stability) performed at Invitae indicates that this missense variant is not expected to disrupt FAT4 protein function. This variant is not present in population databases (gnomAD no frequency). This sequence change replaces arginine, which is basic and polar, with lysine, which is basic and polar, at codon 1329 of the FAT4 protein (p.Arg1329Lys).

NM_001291303.3(FAT4):c.3986G>A (p.Arg1329Lys)

Gene: FAT4 (FAT atypical cadherin 4; plus strand). Cytogenetic location: 4q28.1.
Variant type: single nucleotide variant.
Coding change: c.3986G>A on transcript NM_001291303.3 (MANE Select); coding-DNA position 3986, G replaced by A.
Protein change: p.Arg1329Lys; replaces arginine 1329 with lysine.
Molecular consequence: missense variant.
Genome position (GRCh38, 1-based): chr4:125,320,397, G>A. VCF-style: chr4-125320397-G-A. GRCh37 (hg19) VCF-style: chr4-126241552-G-A.
Other names: c.3986G>A, p.Arg1329Lys (NM_001291285.3, NM_024582.6); short protein forms R1329K.
Identifiers: ClinVar variation 2103581 (VCV002103581.4), dbSNP rs2530447482, ClinGen allele CA358125250.
Genomic context (GRCh38, chr4:125,320,397, plus strand): 5'-ATGACAATACCCCTTCTTTCCCTAAATCAACACTCTTTGTTGATGTTTTGGAAAACATGA[G>A]AATTGGTGAACTCGTGTCCTCTGTTACTGCAACTGATTCCGATTCAGGTGACAATGCTGA-3'
Protein context (NP_001278232.1, residues 1319-1339): TLFVDVLENM[Arg1329Lys]IGELVSSVTA